The following is an entry in ClinVar:

NM_006206.6(PDGFRA):c.2750A>G (p.Lys917Arg)

Gene: PDGFRA (platelet derived growth factor receptor alpha; plus strand). Cytogenetic location: 4q12.
Variant type: single nucleotide variant.
Coding change: c.2750A>G on transcript NM_006206.6 (MANE Select); coding-DNA position 2750, A replaced by G.
Protein change: p.Lys917Arg; replaces lysine 917 with arginine.
Molecular consequence: missense variant.
Genome position (GRCh38, 1-based): chr4:54,288,874, A>G. VCF-style: chr4-54288874-A-G. GRCh37 (hg19) VCF-style: chr4-55155041-A-G.
Other names: c.2825A>G, p.Lys942Arg (NM_001347828.2); c.2750A>G, p.Lys917Arg (NM_001347829.2); c.2789A>G, p.Lys930Arg (NM_001347830.2); short protein forms K930R, K917R, K942R.
Identifiers: ClinVar variation 5026410 (VCV005026410.1).
Genomic context (GRCh38, chr4:54,288,874, plus strand): 5'-CCGGCATGATGGTGGATTCTACTTTCTACAATAAGATCAAGAGTGGGTACCGGATGGCCA[A>G]GCCTGACCACGCTACCAGTGAAGTGTGAGCTCCTTCCCCATCCCGGGGGCCTGTGTTCAC-3'
Protein context (NP_006197.1, residues 907-927): NKIKSGYRMA[Lys917Arg]PDHATSEVYE

ClinVar aggregate classification (germline): Uncertain significance (1 of 4 stars; one submission).

Conditions:
Hereditary cancer-predisposing syndrome. Also called: Neoplastic Syndromes, Hereditary; Tumor predisposition; Hereditary neoplastic syndrome; Hereditary Cancer Syndrome. Identifiers: Orphanet 140162, MedGen C0027672, MeSH D009386, MONDO:0015356.

gnomAD v4.1: 1 of 1,610,834 alleles (0.000062%); highest among the groups gnomAD compares: Non-Finnish European, 0.000085%; no homozygotes.

Submission:

Ambry Genetics
Classification: Uncertain significance for Hereditary cancer-predisposing syndrome. Last evaluated: 2026-07-06. Review status: criteria provided, single submitter. Criteria: Ambry Variant Classification Scheme 2023. Collection method: clinical testing. Allele origin: germline.
Comment: The p.K917R variant (also known as c.2750A>G), located in coding exon 19 of the PDGFRA gene, results from an A to G substitution at nucleotide position 2750. The lysine at codon 917 is replaced by arginine, an amino acid with highly similar properties. This amino acid position is conserved. In addition, the in silico prediction for this alteration is inconclusive. Based on the available evidence, the clinical significance of this variant remains unclear.